The following is an entry in ClinVar:

NM_024577.4(SH3TC2):c.3177A>G (p.Glu1059=)

Gene: SH3TC2 (SH3 domain and tetratricopeptide repeats 2; minus strand). Cytogenetic location: 5q32.
Variant type: single nucleotide variant.
Coding change: c.3177A>G on transcript NM_024577.4 (MANE Select); coding-DNA position 3177, A replaced by G.
Protein change: p.Glu1059=; no amino-acid change (glutamic acid 1059 retained).
Molecular consequence: synonymous variant.
Genome position (GRCh38, 1-based): chr5:149,012,611, T>C on the plus strand (A>G on the coding strand, the complement: SH3TC2 is on the minus strand). VCF-style: chr5-149012611-T-C. GRCh37 (hg19) VCF-style: chr5-148392174-T-C.
Identifiers: ClinVar variation 703740 (VCV000703740.39), dbSNP rs766282582, ClinGen allele CA3498830.

ClinVar aggregate classification (germline): Likely benign. Review status: criteria provided, multiple submitters, no conflicts (2 of 4 stars). 4 submissions from 4 submitters: Likely benign (4). Last evaluated 2025-10-12.

Conditions:
Charcot-Marie-Tooth disease type 4. Also called: Charcot-Marie-Tooth disease, type IV; Charcot-Marie-Tooth, Type 4. Identifiers: Orphanet 64749, MedGen C4082197, MONDO:0018995.

Allele frequency attached by ClinVar (database versions not stated): ExAC 0.00002; gnomAD 0.00004; gnomAD exomes 0.00004 and 0.00009; TOPMed 0.00005.
gnomAD v4.1: 149 of 1,614,044 alleles (0.0092%); highest among the groups gnomAD compares: Non-Finnish European, 0.011%; no homozygotes.

Submissions (4):

Labcorp Genetics (formerly Invitae), Labcorp
Classification: Likely benign for Charcot-Marie-Tooth disease type 4. Last evaluated: 2025-10-12. Review status: criteria provided, single submitter. Criteria: Invitae Variant Classification Sherloc (09022015). Collection method: clinical testing. Allele origin: germline.

CeGaT Center for Human Genetics Tuebingen
Classification: Likely benign. Last evaluated: 2023-07-01. Review status: criteria provided, single submitter. Criteria: CeGaT Center For Human Genetics Tuebingen Variant Classification Criteria Version 2. Collection method: clinical testing. Allele origin: germline. Affected: yes. Observed: 1 variant allele.
Comment: SH3TC2: BP4, BP7

Blueprint Genetics
Classification: Likely benign. Last evaluated: 2021-03-06. Review status: criteria provided, single submitter. Criteria: ACMG Guidelines, 2015. Collection method: clinical testing. Allele origin: germline.

Athena Diagnostics
Classification: Likely benign. Last evaluated: 2018-09-27. Review status: criteria provided, single submitter. Criteria: Athena Diagnostics Criteria. Collection method: clinical testing. Allele origin: germline.